The following is an entry in ClinVar:

ClinVar aggregate classification (germline): Uncertain significance. Review status: criteria provided, multiple submitters, no conflicts (2 of 4 stars). 5 submissions from 5 submitters: Uncertain significance (5). Last evaluated 2025-09-10.

Conditions:
LAMA2-related muscular dystrophy (LAMA2-RD). Also called: Laminin alpha 2-related dystrophy. Identifiers: MedGen C5679788, MONDO:0100228.
Merosin deficient congenital muscular dystrophy (MDC1A). Also called: Congenital Muscular Dystrophy Type 1A (MDC1A); Congenital merosin-deficient muscular dystrophy 1A. Identifiers: Orphanet 258, MedGen C1263858, MONDO:0011925, OMIM 607855.
Inborn genetic diseases. Identifiers: MedGen C0950123, MeSH D030342.

Allele frequency attached by ClinVar (database versions not stated): ExAC 0.00001; gnomAD 0.00001; gnomAD exomes 0.00001 and 0.00003.
gnomAD v4.1: 39 of 1,614,018 alleles (0.0024%); highest among the groups gnomAD compares: South Asian, 0.0033%; no homozygotes.

Submissions (5):

Genomic Medicine Center of Excellence, King Faisal Specialist Hospital and Research Centre
Classification: Uncertain significance for Merosin deficient congenital muscular dystrophy. Last evaluated: 2025-09-10. Review status: criteria provided, single submitter. Criteria: ACMG Guidelines, 2015. Collection method: clinical testing. Allele origin: germline.

Blueprint Genetics
Classification: Uncertain significance. Last evaluated: 2022-03-29. Review status: criteria provided, single submitter. Criteria: ACMG Guidelines, 2015. Collection method: clinical testing. Allele origin: germline.

Labcorp Genetics (formerly Invitae), Labcorp
Classification: Uncertain significance for LAMA2-related muscular dystrophy. Last evaluated: 2021-09-01. Review status: criteria provided, single submitter. Criteria: Invitae Variant Classification Sherloc (09022015). Collection method: clinical testing. Allele origin: germline.
Comment: This sequence change replaces glycine with serine at codon 2800 of the LAMA2 protein (p.Gly2800Ser). The glycine residue is highly conserved and there is a small physicochemical difference between glycine and serine. This variant is present in population databases (rs758491978, ExAC 0.01%). This variant has not been reported in the literature in individuals affected with LAMA2-related conditions. Algorithms developed to predict the effect of missense changes on protein structure and function are either unavailable or do not agree on the potential impact of this missense change (SIFT: "Deleterious"; PolyPhen-2: "Probably Damaging"; Align-GVGD: "Class C0"). In summary, the available evidence is currently insufficient to determine the role of this variant in disease. Therefore, it has been classified as a Variant of Uncertain Significance.

Ambry Genetics
Classification: Uncertain significance for Inborn genetic diseases. Last evaluated: 2021-06-22. Review status: criteria provided, single submitter. Criteria: Ambry Variant Classification Scheme 2023. Collection method: clinical testing. Allele origin: germline.

Baylor Genetics
Classification: Uncertain significance for Merosin deficient congenital muscular dystrophy. Last evaluated: 2019-10-30. Review status: criteria provided, single submitter. Criteria: ACMG Guidelines, 2015. Collection method: clinical testing. Allele origin: unknown. Affected: yes.
Comment: This variant was determined to be of uncertain significance according to ACMG Guidelines, 2015 [PMID:25741868].

NM_000426.4(LAMA2):c.8398G>A (p.Gly2800Ser)

Gene: LAMA2 (laminin subunit alpha 2; plus strand). Cytogenetic location: 6q22.33.
Variant type: single nucleotide variant.
Coding change: c.8398G>A on transcript NM_000426.4 (MANE Select); coding-DNA position 8398, G replaced by A.
Protein change: p.Gly2800Ser; replaces glycine 2800 with serine.
Molecular consequence: missense variant.
Genome position (GRCh38, 1-based): chr6:129,503,131, G>A. VCF-style: chr6-129503131-G-A. GRCh37 (hg19) VCF-style: chr6-129824276-G-A.
Other names: c.8386G>A, p.Gly2796Ser (NM_001079823.2); short protein forms G2800S, G2796S.
Identifiers: ClinVar variation 571640 (VCV000571640.8), dbSNP rs758491978, ClinGen allele CA3994828.